The following is an entry in ClinVar:

ClinVar aggregate classification (germline): Uncertain significance (1 of 4 stars; one submission).

Conditions:
Primary ciliary dyskinesia. Also called: Ciliary dyskinesia. Identifiers: Orphanet 244, MedGen C0008780, MONDO:0016575, HP:0012265.

Submission:

Labcorp Genetics (formerly Invitae), Labcorp
Classification: Uncertain significance for Primary ciliary dyskinesia. Last evaluated: 2019-12-30. Review status: criteria provided, single submitter. Criteria: Invitae Variant Classification Sherloc (09022015). Collection method: clinical testing. Allele origin: germline.
Comment: This variant has not been reported in the literature in individuals with DNAAF1-related conditions. Experimental studies and prediction algorithms are not available or were not evaluated, and the functional significance of this variant is currently unknown. In summary, the available evidence is currently insufficient to determine the role of this variant in disease. Therefore, it has been classified as a Variant of Uncertain Significance. This variant, c.1414_1491del, results in the deletion of 26 amino acid(s) of the DNAAF1 protein (p.Thr472_Glu497del), but otherwise preserves the integrity of the reading frame. This variant is not present in population databases (ExAC no frequency).

NM_178452.6(DNAAF1):c.1414_1491del (p.Thr472_Glu497del)

Gene: DNAAF1 (dynein axonemal assembly factor 1; plus strand). Cytogenetic location: 16q24.1.
Variant type: Deletion.
Coding change: c.1414_1491del on transcript NM_178452.6 (MANE Select); coding-DNA positions 1414 to 1491, 78 bases deleted.
Protein change: p.Thr472_Glu497del.
Molecular consequence: inframe deletion.
Genome position (GRCh38, 1-based): chr16:84,170,242-84,170,319, 78 bases deleted. GRCh37 (hg19): chr16:84,203,848-84,203,925.
Other names: c.706_783del, p.Thr236_Glu261del (NM_001318756.1).
Identifiers: ClinVar variation 839875 (VCV000839875.10), dbSNP rs2088255429, ClinGen allele CA916083508.